The following is an entry in ClinVar:

NM_018052.5(VAC14):c.986T>C (p.Met329Thr)

Gene: VAC14 (VAC14 component of PIKFYVE complex; minus strand). Cytogenetic location: 16q22.1.
Variant type: single nucleotide variant.
Coding change: c.986T>C on transcript NM_018052.5 (MANE Select); coding-DNA position 986, T replaced by C.
Protein change: p.Met329Thr; replaces methionine 329 with threonine.
Molecular consequence: missense variant.
Genome position (GRCh38, 1-based): chr16:70,780,900, A>G on the plus strand (T>C on the coding strand, the complement: VAC14 is on the minus strand). VCF-style: chr16-70780900-A-G. GRCh37 (hg19) VCF-style: chr16-70814803-A-G.
Other names: c.284T>C, p.Met95Thr (NM_001351157.2); short protein forms M329T, M95T.
Identifiers: ClinVar variation 1937742 (VCV001937742.2), dbSNP rs760605436, ClinGen allele CA8147868.

ClinVar aggregate classification (germline): Uncertain significance (1 of 4 stars; one submission).

Allele frequency attached by ClinVar (database versions not stated): gnomAD exomes below 0.00001; ExAC 0.00001.
gnomAD v4.1: 4 of 1,614,120 alleles (0.00025%); highest among the groups gnomAD compares: Admixed American, 0.005%; no homozygotes.

Submission:

Labcorp Genetics (formerly Invitae), Labcorp
Classification: Uncertain significance. Last evaluated: 2022-05-27. Review status: criteria provided, single submitter. Criteria: Invitae Variant Classification Sherloc (09022015). Collection method: clinical testing. Allele origin: germline.
Comment: This sequence change replaces methionine, which is neutral and non-polar, with threonine, which is neutral and polar, at codon 329 of the VAC14 protein (p.Met329Thr). The frequency data for this variant in the population databases is considered unreliable, as metrics indicate poor data quality at this position in the gnomAD database. This variant has not been reported in the literature in individuals affected with VAC14-related conditions. Algorithms developed to predict the effect of missense changes on protein structure and function (SIFT, PolyPhen-2, Align-GVGD) all suggest that this variant is likely to be disruptive. In summary, the available evidence is currently insufficient to determine the role of this variant in disease. Therefore, it has been classified as a Variant of Uncertain Significance.